The following is an entry in ClinVar:

NM_001349723.3(DNAJB5):c.1216A>C (p.Thr406Pro)

Gene: DNAJB5 (DnaJ heat shock protein family (Hsp40) member B5; plus strand). Cytogenetic location: 9p13.3.
Variant type: single nucleotide variant.
Coding change: c.1216A>C on transcript NM_001349723.3 (MANE Select); coding-DNA position 1216, A replaced by C.
Protein change: p.Thr406Pro; replaces threonine 406 with proline.
Molecular consequence: missense variant.
Genome position (GRCh38, 1-based): chr9:34,997,212, A>C. VCF-style: chr9-34997212-A-C. GRCh37 (hg19) VCF-style: chr9-34997209-A-C.
Other names: c.1102A>C, p.Thr368Pro (NM_001135004.3, NM_001349725.2); c.1216A>C, p.Thr406Pro (NM_001135005.3); c.1000A>C, p.Thr334Pro (NM_001349724.2, NM_012266.6); c.1342A>C (NM_001135004.2); short protein forms T334P, T368P, T406P.
Identifiers: ClinVar variation 1711687 (VCV001711687.33), dbSNP rs143047567, ClinGen allele CA5038291.

ClinVar aggregate classification (germline): Uncertain significance. Review status: criteria provided, multiple submitters, no conflicts (2 of 4 stars). 2 submissions from 2 submitters: Uncertain significance (2). Last evaluated 2025-03-30.

Allele frequency attached by ClinVar (database versions not stated): ExAC 0.00002; gnomAD 0.00003; TOPMed 0.00005; ESP Exome Variant Server 0.00008; gnomAD exomes 0.00009.
gnomAD v4.1: 133 of 1,614,008 alleles (0.0082%); highest among the groups gnomAD compares: Non-Finnish European, 0.01%; no homozygotes.

Submissions (2):

Ambry Genetics
Classification: Uncertain significance. Last evaluated: 2025-03-30. Review status: criteria provided, single submitter. Criteria: Ambry Variant Classification Scheme 2023. Collection method: clinical testing. Allele origin: germline.

CeGaT Center for Human Genetics Tuebingen
Classification: Uncertain significance. Last evaluated: 2022-09-01. Review status: criteria provided, single submitter. Criteria: CeGaT Center For Human Genetics Tuebingen Variant Classification Criteria Version 2. Collection method: clinical testing. Allele origin: germline. Affected: yes. Observed: 1 variant allele.
Comment: DNAJB5: PM2, PP2, BP4